The following is an entry in ClinVar:

NM_022817.3(PER2):c.2910_2936del (p.Ser971_Pro979del)

Gene: PER2 (period circadian regulator 2; minus strand). Cytogenetic location: 2q37.3.
Variant type: Deletion.
Coding change: c.2910_2936del on transcript NM_022817.3 (MANE Select); coding-DNA positions 2910 to 2936, 27 bases deleted (ATCGGCCATGGGTAGGGCCTCCCCACC).
Protein change: p.Ser971_Pro979del.
Genome position (GRCh38, 1-based): chr2:238,253,087-238,253,113, GGTGGGGAGGCCCTACCCATGGCCGAT deleted on the plus strand (ATCGGCCATGGGTAGGGCCTCCCCACC on the coding strand, the reverse complement: PER2 is on the minus strand); deleting any 27 consecutive bases within chr2:238,253,087-238,253,120 gives the same sequence; the c. name uses the placement nearest the transcript's 3' end. VCF-style (leftmost placement, unchanged base first): chr2-238253086-CGGTGGGGAGGCCCTACCCATGGCCGAT-C. GRCh37 (hg19) VCF-style: chr2-239161727-CGGTGGGGAGGCCCTACCCATGGCCGAT-C.
Identifiers: ClinVar variation 3055231 (VCV003055231.2), dbSNP rs555709631, ClinGen allele CA2196966.

ClinVar aggregate classification (germline): Likely benign (0 of 4 stars; one submission).

Conditions:
PER2-related disorder. Also called: PER2-related condition.

Submission:

PreventionGenetics, part of Exact Sciences
Classification: Likely benign for PER2-related condition. Last evaluated: 2020-07-01. Review status: no assertion criteria provided. Collection method: clinical testing. Allele origin: germline.
Comment: This variant is classified as likely benign based on ACMG/AMP sequence variant interpretation guidelines (Richards et al. 2015 PMID: 25741868, with internal and published modifications).